The following is an entry in ClinVar:

ClinVar aggregate classification (germline): Uncertain significance. Review status: criteria provided, multiple submitters, no conflicts (2 of 4 stars). 2 submissions from 2 submitters: Uncertain significance (2). Last evaluated 2026-06-11.

Conditions:
ABCB4-related disorder. Also called: ABCB4-related disorders; ABCB4-related condition.

Allele frequency attached by ClinVar (database versions not stated): gnomAD exomes below 0.00001; ExAC 0.00001; gnomAD 0.00001; TOPMed 0.00002.
gnomAD v4.1: 14 of 1,614,048 alleles (0.00087%); highest among the groups gnomAD compares: African/African-American, 0.0027%; no homozygotes.

Submissions (2):

PreventionGenetics, part of Exact Sciences
Classification: Uncertain significance for ABCB4-related condition. Last evaluated: 2026-06-11. Review status: criteria provided, single submitter. Criteria: ACMG Guidelines, 2015. Collection method: clinical testing. Allele origin: germline.
Comment: The ABCB4 c.1415T>C variant is predicted to result in the amino acid substitution p.Ile472Thr. To our knowledge, this variant has not been reported in the literature. This variant is reported in 0.0040% of alleles in individuals of African descent in gnomAD. At this time, the clinical significance of this variant is uncertain due to the absence of conclusive functional and genetic evidence.

Eurofins Ntd Llc (ga)
Classification: Uncertain significance. Last evaluated: 2016-04-26. Review status: criteria provided, single submitter. Criteria: EGL Classification Definitions 2015. Collection method: clinical testing. Allele origin: germline. Observed: 1 variant allele, 1 heterozygote.

NM_000443.4(ABCB4):c.1415T>C (p.Ile472Thr)

Gene: ABCB4 (ATP binding cassette subfamily B member 4; minus strand). Cytogenetic location: 7q21.12.
Variant type: single nucleotide variant.
Coding change: c.1415T>C on transcript NM_000443.4 (MANE Select); coding-DNA position 1415, T replaced by C.
Protein change: p.Ile472Thr; replaces isoleucine 472 with threonine.
Molecular consequence: missense variant.
Genome position (GRCh38, 1-based): chr7:87,440,344, A>G on the plus strand (T>C on the coding strand, the complement: ABCB4 is on the minus strand). VCF-style: chr7-87440344-A-G. GRCh37 (hg19) VCF-style: chr7-87069660-A-G.
Other names: c.1415T>C, p.Ile472Thr (NM_018849.3, NM_018850.3); c.1415T>C (NM_000443.3); short protein forms I472T.
Identifiers: ClinVar variation 287779 (VCV000287779.6), dbSNP rs749651405, ClinGen allele CA4327291.